The following is an entry in ClinVar:

ClinVar aggregate classification (germline): Uncertain significance (1 of 4 stars; one submission).

Conditions:
46,XY sex reversal 3. Also called: NR5A1-related 46,XY complete gonadal dysgenesis; SEX REVERSAL, XY, WITH OR WITHOUT ADRENAL FAILURE; 46,XY SEX REVERSAL, PARTIAL OR COMPLETE, NR5A1-RELATED; 46,XY GONADAL DYSGENESIS, PARTIAL OR COMPLETE, WITH OR WITHOUT ADRENAL FAILURE; DISORDER OF SEX DEVELOPMENT, 46,XY, NR5A1-RELATED. Identifiers: MedGen C3489793, MONDO:0013066, OMIM 612965.

gnomAD v4.1: 32 of 1,611,382 alleles (0.002%); highest among the groups gnomAD compares: Middle Eastern, 0.017%; no homozygotes.

Submission:

Victorian Clinical Genetics Services, Murdoch Childrens Research Institute
Classification: Uncertain significance for 46,XY sex reversal 3. Last evaluated: 2025-01-29. Review status: criteria provided, single submitter. Criteria: ACMG Guidelines, 2015. Collection method: clinical testing. Allele origin: germline. Affected: yes.
Comment: This variant is classified as VUS-3C. Evidence in support of pathogenic classification: Variant is present in gnomAD <0.001 for a dominant condition (v4: 32 heterozygote(s), 0 homozygote(s)) . Additional information: Variant is predicted to result in a missense amino acid change from threonine to methionine; This variant is heterozygous; This gene is associated with autosomal dominant disease; Previous evidence of pathogenicity for this variant is inconclusive. However, this individual also has a heterozygous de novo protein-truncating NR5A1 variant p.(Glu7*), which has evidence of pathogenicity and is shown to have a greater impact on protein function than p.(Thr296Met) (PMID: 25122490); No comparable missense variants have previous evidence for pathogenicity; Variant is located in the annotated ligand-binding domain of nuclear hormone receptor (DECIPHER); Missense variant with inconclusive in silico prediction and uninformative conservation; Loss of function is a known mechanism of disease in this gene and is associated with adrenocortical insufficiency (MIM#612964), 46 XX sex reversal 4 (MIM# 617480), premature ovarian failure 7 (MIM#612964), spermatogenic failure 8 (MIM#613957) and 46XY sex reversal 3 (MIM#612965); The condition associated with this gene has incomplete penetrance (PMID: 31513305); Variants in this gene are known to have variable expressivity. Intrafamilial variability has been reported (PMID: 31513305); Inheritance information for this variant is not currently available in this individual.

Literature cited by the submitters: PubMed 31513305; PubMed 25122490.

NM_004959.5(NR5A1):c.887C>T (p.Thr296Met)

Gene: NR5A1 (nuclear receptor subfamily 5 group A member 1; minus strand). Cytogenetic location: 9q33.3.
Variant type: single nucleotide variant.
Coding change: c.887C>T on transcript NM_004959.5 (MANE Select); coding-DNA position 887, C replaced by T.
Protein change: p.Thr296Met; replaces threonine 296 with methionine.
Molecular consequence: missense variant.
Genome position (GRCh38, 1-based): chr9:124,493,133, G>A on the plus strand (C>T on the coding strand, the complement: NR5A1 is on the minus strand). VCF-style: chr9-124493133-G-A. GRCh37 (hg19) VCF-style: chr9-127255412-G-A.
Other names: short protein forms T296M.
Identifiers: ClinVar variation 4532113 (VCV004532113.1).